The following is an entry in ClinVar:

NM_152564.5(VPS13B):c.690C>A (p.Tyr230Ter)

Gene: VPS13B (vacuolar protein sorting 13 homolog B; plus strand). Cytogenetic location: 8q22.2.
Variant type: single nucleotide variant.
Coding change: c.690C>A on transcript NM_152564.5 (MANE Select); coding-DNA position 690, C replaced by A.
Protein change: p.Tyr230Ter; replaces tyrosine 230 with a stop codon.
Molecular consequence: nonsense. On other transcripts: non-coding transcript variant (1).
Genome position (GRCh38, 1-based): chr8:99,111,207, C>A. VCF-style: chr8-99111207-C-A. GRCh37 (hg19) VCF-style: chr8-100123435-C-A.
Other names: c.690C>A, p.Tyr230Ter (NM_181661.3, NM_015243.3, NM_017890.5); short protein forms Y230*.
Identifiers: ClinVar variation 4815968 (VCV004815968.1).

ClinVar aggregate classification (germline): Likely pathogenic (1 of 4 stars; one submission).

Conditions:
Cohen syndrome (COH1). Also called: PEPPER SYNDROME; Cutis verticis gyrata, retinitis pigmentosa, and sensorineural deafness. Identifiers: Orphanet 193, MedGen C0265223, MONDO:0008999, OMIM 216550.

Submission:

Natera, Inc.
Classification: Likely pathogenic for Cohen syndrome. Last evaluated: 2025-09-05. Review status: criteria provided, single submitter. Criteria: Natera Variant Classification Schema (03/2026). Collection method: clinical testing. Allele origin: germline.
Comment: The c.690C>A variant in VPS13B is a nonsense variant predicted to introduce a stop codon at amino acid 230. This variant is expected to result in nonsense mediated decay, truncation, or a dysfunctional protein product. This variant is rare in the general population with a frequency below the threshold expected for the associated phenotype(s). Given the available evidence, this variant is classified as Likely Pathogenic.